The following is an entry in ClinVar:

NM_000384.3(APOB):c.250G>T (p.Val84Phe)

Gene: APOB (apolipoprotein B; minus strand). Cytogenetic location: 2p24.1.
Variant type: single nucleotide variant.
Coding change: c.250G>T on transcript NM_000384.3 (MANE Select); coding-DNA position 250, G replaced by T.
Protein change: p.Val84Phe; replaces valine 84 with phenylalanine.
Molecular consequence: missense variant.
Genome position (GRCh38, 1-based): chr2:21,041,071, C>A on the plus strand (G>T on the coding strand, the complement: APOB is on the minus strand). VCF-style: chr2-21041071-C-A. GRCh37 (hg19) VCF-style: chr2-21263943-C-A.
Other names: short protein forms V84F.
Identifiers: ClinVar variation 1792384 (VCV001792384.2), dbSNP rs1288338249, ClinGen allele CA345964374.

ClinVar aggregate classification (germline): Uncertain significance (1 of 4 stars; one submission).

Conditions:
Cardiovascular phenotype. Identifiers: MedGen CN230736.

Submission:

Ambry Genetics
Classification: Uncertain significance for Cardiovascular phenotype. Last evaluated: 2018-09-10. Review status: criteria provided, single submitter. Criteria: Ambry Variant Classification Scheme 2023. Collection method: clinical testing. Allele origin: germline.
Comment: The p.V84F variant (also known as c.250G>T), located in coding exon 4 of the APOB gene, results from a G to T substitution at nucleotide position 250. The valine at codon 84 is replaced by phenylalanine, an amino acid with highly similar properties. This amino acid position is highly conserved in available vertebrate species. In addition, the in silico prediction for this alteration is inconclusive. Since supporting evidence is limited at this time, the clinical significance of this alteration remains unclear.